The following is an entry in ClinVar:

NM_022124.6(CDH23):c.9510+3G>A

Gene: CDH23 (cadherin related 23; plus strand). Cytogenetic location: 10q22.1.
Variant type: single nucleotide variant.
Coding change: c.9510+3G>A on transcript NM_022124.6 (MANE Select); 3 bases into the intron after coding-DNA position 9510, G replaced by A.
Molecular consequence: intron variant.
Genome position (GRCh38, 1-based): chr10:71,812,612, G>A. VCF-style: chr10-71812612-G-A. GRCh37 (hg19) VCF-style: chr10-73572369-G-A.
Other names: c.2790+3G>A (NM_001171933.1, NM_001171934.1); c.201+3G>A (NM_001171935.1, NM_001171936.1).
Identifiers: ClinVar variation 2169497 (VCV002169497.1), dbSNP rs749128998, ClinGen allele CA5547101.

ClinVar aggregate classification (germline): Uncertain significance (1 of 4 stars; one submission).

Allele frequency attached by ClinVar (database versions not stated): TOPMed below 0.00001; ExAC 0.00001; gnomAD 0.00001; gnomAD exomes 0.00003.
gnomAD v4.1: 53 of 1,613,600 alleles (0.0033%); highest among the groups gnomAD compares: Non-Finnish European, 0.0042%; no homozygotes.

Submission:

Labcorp Genetics (formerly Invitae), Labcorp
Classification: Uncertain significance. Last evaluated: 2021-12-19. Review status: criteria provided, single submitter. Criteria: Invitae Variant Classification Sherloc (09022015). Collection method: clinical testing. Allele origin: germline.
Comment: This sequence change falls in intron 67 of the CDH23 gene. It does not directly change the encoded amino acid sequence of the CDH23 protein. It affects a nucleotide within the consensus splice site. This variant is present in population databases (rs749128998, gnomAD 0.003%). This variant has not been reported in the literature in individuals affected with CDH23-related conditions. Variants that disrupt the consensus splice site are a relatively common cause of aberrant splicing (PMID: 17576681, 9536098). In summary, the available evidence is currently insufficient to determine the role of this variant in disease. Therefore, it has been classified as a Variant of Uncertain Significance.

Literature cited by the submitters: PubMed 17576681; PubMed 9536098.